The following is an entry in ClinVar:

ClinVar aggregate classification (germline): Likely benign. Review status: criteria provided, single submitter (1 of 4 stars). 2 submissions from 2 submitters: Likely benign (1). 1 of the submissions does not count toward it. Last evaluated 2025-04-13.

Conditions:
PCNT-related disorder. Also called: PCNT-related condition.

Allele frequency attached by ClinVar (database versions not stated): gnomAD exomes below 0.00001 and 0.00001; ExAC 0.00001; TOPMed 0.00001.
gnomAD v4.1: 3 of 1,614,214 alleles (0.00019%); highest among the groups gnomAD compares: East Asian, 0.0022%; no homozygotes.

Submissions (2):

Labcorp Genetics (formerly Invitae), Labcorp
Classification: Likely benign. Last evaluated: 2025-04-13. Review status: criteria provided, single submitter. Criteria: Invitae Variant Classification Sherloc (09022015). Collection method: clinical testing. Allele origin: germline.

PreventionGenetics, part of Exact Sciences
Classification: Likely benign for PCNT-related condition. Last evaluated: 2024-01-31. Review status: no assertion criteria provided. Collection method: clinical testing. Allele origin: germline. Not counted in ClinVar's aggregate classification.
Comment: This variant is classified as likely benign based on ACMG/AMP sequence variant interpretation guidelines (Richards et al. 2015 PMID: 25741868, with internal and published modifications).

NM_006031.6(PCNT):c.5175A>G (p.Gln1725=)

Gene: PCNT (pericentrin; plus strand). Cytogenetic location: 21q22.3.
Variant type: single nucleotide variant.
Coding change: c.5175A>G on transcript NM_006031.6 (MANE Select); coding-DNA position 5175, A replaced by G.
Protein change: p.Gln1725=; no amino-acid change (glutamine 1725 retained).
Molecular consequence: synonymous variant.
Genome position (GRCh38, 1-based): chr21:46,411,248, A>G. VCF-style: chr21-46411248-A-G. GRCh37 (hg19) VCF-style: chr21-47831162-A-G.
Other names: c.5175A>G (NM_006031.5); c.4821A>G, p.Gln1607= (NM_001315529.2).
Identifiers: ClinVar variation 1350281 (VCV001350281.8), dbSNP rs750305466, ClinGen allele CA10079920.